The following is an entry in ClinVar:

NM_015215.4(CAMTA1):c.4358C>G (p.Ala1453Gly)

Gene: CAMTA1 (calmodulin binding transcription activator 1; plus strand). Cytogenetic location: 1p36.23.
Variant type: single nucleotide variant.
Coding change: c.4358C>G on transcript NM_015215.4 (MANE Select); coding-DNA position 4358, C replaced by G.
Protein change: p.Ala1453Gly; replaces alanine 1453 with glycine.
Molecular consequence: missense variant.
Genome position (GRCh38, 1-based): chr1:7,745,010, C>G. VCF-style: chr1-7745010-C-G. GRCh37 (hg19) VCF-style: chr1-7805070-C-G.
Other names: c.4268C>G, p.Ala1423Gly (NM_001349608.2); c.4019C>G, p.Ala1340Gly (NM_001349609.2, NM_001349610.2, NM_001410737.1); c.3929C>G, p.Ala1310Gly (NM_001349612.2); c.1487C>G, p.Ala496Gly (NM_001349613.1); c.1430C>G, p.Ala477Gly (NM_001349614.1, NM_001349615.2, NM_001349616.2 and 2 more transcripts); c.1091C>G, p.Ala364Gly (NM_001349619.2, NM_001349620.1, NM_001349621.1 and 5 more transcripts); c.3947C>G, p.Ala1316Gly (NM_001410738.1); short protein forms A1310G, A1316G, A1340G, A1423G, A1453G, A364G, A477G, A496G.
Identifiers: ClinVar variation 3367390 (VCV003367390.1).

ClinVar aggregate classification (germline): Uncertain significance (1 of 4 stars; one submission).

Submission:

GeneDx
Classification: Uncertain significance. Last evaluated: 2023-12-28. Review status: criteria provided, single submitter. Criteria: GeneDx Variant Classification Process June 2021. Collection method: clinical testing. Allele origin: germline. Affected: yes.
Comment: Not observed at significant frequency in large population cohorts (gnomAD); In silico analysis supports that this missense variant does not alter protein structure/function; Has not been previously published as pathogenic or benign to our knowledge